The following is an entry in ClinVar:

NM_020928.2(ZSWIM6):c.2381+3A>T

Gene: ZSWIM6 (zinc finger SWIM-type containing 6; plus strand). Cytogenetic location: 5q12.1.
Variant type: single nucleotide variant.
Coding change: c.2381+3A>T on transcript NM_020928.2 (MANE Select); 3 bases into the intron after coding-DNA position 2381, A replaced by T.
Molecular consequence: intron variant.
Genome position (GRCh38, 1-based): chr5:61,535,622, A>T. VCF-style: chr5-61535622-A-T. GRCh37 (hg19) VCF-style: chr5-60831449-A-T.
Identifiers: ClinVar variation 4727154 (VCV004727154.1).

ClinVar aggregate classification (germline): Uncertain significance (1 of 4 stars; one submission).

Submission:

Labcorp Genetics (formerly Invitae), Labcorp
Classification: Uncertain significance. Last evaluated: 2025-09-14. Review status: criteria provided, single submitter. Criteria: Invitae Variant Classification Sherloc (09022015). Collection method: clinical testing. Allele origin: germline.
Comment: This sequence change falls in intron 10 of the ZSWIM6 gene. It does not directly change the encoded amino acid sequence of the ZSWIM6 protein. It affects a nucleotide within the consensus splice site. This variant is not present in population databases (gnomAD no frequency). This variant has not been reported in the literature in individuals affected with ZSWIM6-related conditions. Variants that disrupt the consensus splice site are a relatively common cause of aberrant splicing (PMID: 17576681, 9536098). Algorithms developed to predict the effect of sequence changes on RNA splicing suggest that this variant may disrupt the consensus splice site. In summary, the available evidence is currently insufficient to determine the role of this variant in disease. Therefore, it has been classified as a Variant of Uncertain Significance.

Literature cited by the submitters: PubMed 17576681; PubMed 9536098.